The following is an entry in ClinVar:

NM_017841.4(SDHAF2):c.260+1G>A

Gene: SDHAF2 (succinate dehydrogenase complex assembly factor 2; plus strand). Cytogenetic location: 11q12.2.
Variant type: single nucleotide variant.
Coding change: c.260+1G>A on transcript NM_017841.4 (MANE Select); the canonical splice donor site of the intron after coding-DNA position 260, G replaced by A.
Molecular consequence: splice donor variant.
Genome position (GRCh38, 1-based): chr11:61,437,849, G>A. VCF-style: chr11-61437849-G-A. GRCh37 (hg19) VCF-style: chr11-61205321-G-A.
Identifiers: ClinVar variation 463821 (VCV000463821.19), dbSNP rs749527870, ClinGen allele CA058142.

ClinVar aggregate classification (germline): Likely pathogenic. Review status: criteria provided, multiple submitters, no conflicts (2 of 4 stars). 6 submissions from 6 submitters: Likely pathogenic (6). Last evaluated 2026-02-10.

Conditions:
Hereditary cancer-predisposing syndrome. Also called: Neoplastic Syndromes, Hereditary; Tumor predisposition; Hereditary neoplastic syndrome; Hereditary Cancer Syndrome. Identifiers: Orphanet 140162, MedGen C0027672, MeSH D009386, MONDO:0015356.
Hereditary pheochromocytoma and paraganglioma. Also called: Hereditary paragangliomas and pheochromocytomas; Hereditary Paraganglioma-Pheochromocytoma Syndromes; Hereditary pheochromocytoma-paraganglioma. Identifiers: Orphanet 29072, MedGen C4274332, MONDO:0017366.
Pheochromocytoma/paraganglioma syndrome 2. Also called: SDHAF2-Related Hereditary Paraganglioma-Pheochromocytoma Syndrome; GLOMUS TUMORS, FAMILIAL, 2; SDHAF2-Related Hereditary Paraganglioma-Pheochromocytoma Syndrome (Paragangliomas 2); Paragangliomas 2. Identifiers: Orphanet 29072, MedGen C1866552, MONDO:0011121, OMIM 601650.

Allele frequency attached by ClinVar (database versions not stated): gnomAD exomes below 0.00001; ExAC 0.00001.
gnomAD v4.1: 1 of 1,612,510 alleles (0.000062%); highest among the groups gnomAD compares: Admixed American, 0.0017%; no homozygotes.

Submissions (6):

GeneDx
Classification: Likely pathogenic. Last evaluated: 2026-02-10. Review status: criteria provided, single submitter. Criteria: GeneDx Variant Classification Process June 2021. Collection method: clinical testing. Allele origin: germline.
Comment: Canonical splice site variant predicted to result in a null allele in a gene for which loss of function is a known mechanism of disease; Not observed at significant frequency in large population cohorts (gnomAD); Has not been previously published as pathogenic or benign to our knowledge; This variant is associated with the following publications: (PMID: 31687641)

Labcorp Genetics (formerly Invitae), Labcorp
Classification: Likely pathogenic for Hereditary pheochromocytoma and paraganglioma. Last evaluated: 2026-01-18. Review status: criteria provided, single submitter. Criteria: Invitae Variant Classification Sherloc (09022015). Collection method: clinical testing. Allele origin: germline.
Comment: This sequence change affects a donor splice site in intron 2 of the SDHAF2 gene. It is expected to disrupt RNA splicing. Variants that disrupt the donor or acceptor splice site typically lead to a loss of protein function (PMID: 16199547), and loss-of-function variants in SDHAF2 are known to be pathogenic (PMID: 22241717, 26096992). The frequency data for this variant in the population databases is considered unreliable, as metrics indicate poor data quality at this position in the gnomAD database. This variant has not been reported in the literature in individuals affected with SDHAF2-related conditions. ClinVar contains an entry for this variant (Variation ID: 463821). Studies have shown that disruption of this splice site is associated with inconclusive levels of altered splicing (internal data). In summary, the currently available evidence indicates that the variant is pathogenic, but additional data are needed to prove that conclusively. Therefore, this variant has been classified as Likely Pathogenic.

Myriad Genetics, Inc.
Classification: Likely pathogenic for Pheochromocytoma/paraganglioma syndrome 2. Last evaluated: 2026-01-14. Review status: criteria provided, single submitter. Criteria: Myriad Autosomal Dominant, Autosomal Recessive and X-Linked Classification Criteria (2023). Collection method: clinical testing. Allele origin: unknown.
Comment: This variant is considered likely pathogenic. This variant occurs within a consensus splice junction and is predicted to result in abnormal mRNA splicing of either an out-of-frame exon or an in-frame exon necessary for protein stability and/or normal function.

Ambry Genetics
Classification: Likely pathogenic for Hereditary cancer-predisposing syndrome. Last evaluated: 2025-08-08. Review status: criteria provided, single submitter. Criteria: Ambry Variant Classification Scheme 2023. Collection method: clinical testing. Allele origin: germline.
Comment: The c.260+1G>A intronic variant results from a G to A substitution one nucleotide after coding exon 2 of the SDHAF2 gene. This nucleotide position is highly conserved in available vertebrate species. In silico splice site analysis predicts that this alteration will weaken the native splice donor site. RNA studies have demonstrated that this alteration results in abnormal splicing in the set of samples tested (Ambry internal data). This variant is considered to be rare based on population cohorts in the Genome Aggregation Database (gnomAD). Based on the majority of available evidence to date, this variant is likely to be pathogenic.

All of Us Research Program, National Institutes of Health
Classification: Likely pathogenic for Hereditary pheochromocytoma and paraganglioma. Last evaluated: 2024-07-29. Review status: criteria provided, single submitter. Criteria: ACMG Guidelines, 2015. Collection method: clinical testing. Allele origin: germline. Inheritance: Autosomal dominant inheritance. Observed: 2 variant alleles, 2 heterozygotes.
Comment: This variant causes a G>A nucleotide substitution at the +1 position of intron 2 of the SDHAF2 gene. Splice site prediction tools suggest that this variant may have a significant impact on RNA splicing. Although this prediction has not been confirmed in published RNA studies, this variant is expected to result in an absent or disrupted protein product. This variant has not been reported in individuals affected with hereditary cancer in the literature. This variant has not been identified in the general population by the Genome Aggregation Database (gnomAD). Loss of SDHAF2 function is a known mechanism of disease. Based on the available evidence, this variant is classified as Likely Pathogenic.

This study involves interpretation of variants in research participants for the purpose of population health screening. Participant phenotype was not available at the time of variant classification. Additional details can be found in publication PMID: 35346344, PMCID: PMC8962531

Color Diagnostics, LLC DBA Color Health
Classification: Likely pathogenic for Hereditary pheochromocytoma and paraganglioma. Last evaluated: 2024-03-04. Review status: criteria provided, single submitter. Criteria: ACMG Guidelines, 2015. Collection method: clinical testing. Allele origin: germline.
Comment: This variant causes a G>A nucleotide substitution at the +1 position of intron 2 of the SDHAF2 gene. Splice site prediction tools suggest that this variant may have a significant impact on RNA splicing. Although this prediction has not been confirmed in published RNA studies, this variant is expected to result in an absent or disrupted protein product. This variant has not been reported in individuals affected with hereditary cancer in the literature. This variant has not been identified in the general population by the Genome Aggregation Database (gnomAD). Loss of SDHAF2 function is a known mechanism of disease. Based on the available evidence, this variant is classified as Likely Pathogenic.

Literature cited by the submitters: PubMed 16199547 (cited by Labcorp Genetics (formerly Invitae), Labcorp); PubMed 22241717 (cited by Labcorp Genetics (formerly Invitae), Labcorp); PubMed 26096992 (cited by Labcorp Genetics (formerly Invitae), Labcorp).